The following is an entry in ClinVar:

ClinVar aggregate classification (germline): Uncertain significance (1 of 4 stars; one submission).

Submission:

Labcorp Genetics (formerly Invitae), Labcorp
Classification: Uncertain significance. Last evaluated: 2020-11-25. Review status: criteria provided, single submitter. Criteria: Invitae Variant Classification Sherloc (09022015). Collection method: clinical testing. Allele origin: germline.
Comment: This sequence change creates a premature translational stop signal (p.Arg194Alafs*2) in the DHX38 gene. It is expected to result in an absent or disrupted protein product. This variant is not present in population databases (ExAC no frequency). This variant has not been reported in the literature in individuals with DHX38-related conditions. The current clinical and genetic evidence is not sufficient to establish whether loss-of-function variants in DHX38 cause disease. In summary, the available evidence is currently insufficient to determine the role of this variant in disease. Therefore, it has been classified as a Variant of Uncertain Significance.

NM_014003.4(DHX38):c.567_579dup (p.Arg194delinsAlaTer)

Gene: DHX38 (DEAH-box helicase 38; plus strand). Cytogenetic location: 16q22.2.
Variant type: Duplication.
Coding change: c.567_579dup on transcript NM_014003.4 (MANE Select); coding-DNA positions 567 to 579, 13 bases duplicated (GCGTAGCAGCAGA).
Protein change: p.Arg194delinsAlaTer.
Molecular consequence: nonsense.
Genome position (GRCh38, 1-based): chr16:72,097,732-72,097,744, GCGTAGCAGCAGA duplicated; duplicating any 13 consecutive bases within chr16:72,097,728-72,097,744 gives the same sequence; the c. name uses the placement nearest the transcript's 3' end. VCF-style (leftmost placement, unchanged base first): chr16-72097727-T-TCAGAGCGTAGCAG. GRCh37 (hg19) VCF-style: chr16-72131626-T-TCAGAGCGTAGCAG.
Identifiers: ClinVar variation 1002051 (VCV001002051.2), dbSNP rs1567603498, ClinGen allele CA623281179.